The following is an entry in ClinVar:

ClinVar aggregate classification (germline): Uncertain significance (1 of 4 stars; one submission).

Submission:

GeneDx
Classification: Uncertain significance. Last evaluated: 2023-04-27. Review status: criteria provided, single submitter. Criteria: GeneDx Variant Classification Process June 2021. Collection method: clinical testing. Allele origin: germline. Affected: yes.
Comment: Not observed at significant frequency in large population cohorts (gnomAD); In silico analysis supports that this missense variant does not alter protein structure/function; Has not been previously published as pathogenic or benign to our knowledge

NM_001378418.1(TCF20):c.2456C>T (p.Pro819Leu)

Gene: TCF20 (transcription factor 20; minus strand). Cytogenetic location: 22q13.2.
Variant type: single nucleotide variant.
Coding change: c.2456C>T on transcript NM_001378418.1 (MANE Select); coding-DNA position 2456, C replaced by T.
Protein change: p.Pro819Leu; replaces proline 819 with leucine.
Molecular consequence: missense variant.
Genome position (GRCh38, 1-based): chr22:42,212,850, G>A on the plus strand (C>T on the coding strand, the complement: TCF20 is on the minus strand). VCF-style: chr22-42212850-G-A. GRCh37 (hg19) VCF-style: chr22-42608856-G-A.
Other names: c.2456C>T, p.Pro819Leu (NM_005650.4, NM_181492.3); short protein forms P819L.
Identifiers: ClinVar variation 3343154 (VCV003343154.1).